The following is an entry in ClinVar:

NM_006531.5(IFT88):c.1325A>G (p.Glu442Gly)

Gene: IFT88 (intraflagellar transport 88; plus strand). Cytogenetic location: 13q12.11.
Variant type: single nucleotide variant.
Coding change: c.1325A>G on transcript NM_006531.5 (MANE Select); coding-DNA position 1325, A replaced by G.
Protein change: p.Glu442Gly; replaces glutamic acid 442 with glycine.
Molecular consequence: missense variant. On other transcripts: non-coding transcript variant (5).
Genome position (GRCh38, 1-based): chr13:20,631,041, A>G. VCF-style: chr13-20631041-A-G. GRCh37 (hg19) VCF-style: chr13-21205180-A-G.
Other names: c.1268A>G, p.Glu423Gly (NM_001318491.2, NM_001353575.2); c.1352A>G, p.Glu451Gly (NM_001318493.2, NM_001353565.2, NM_001353566.2 and 2 more transcripts); c.1325A>G, p.Glu442Gly (NM_001353568.2, NM_001353572.2); c.1250A>G, p.Glu417Gly (NM_001353569.2, NM_001353570.2, NM_001353576.2 and 1 more transcripts); c.1223A>G, p.Glu408Gly (NM_001353571.2, NM_001353578.2); c.1181A>G, p.Glu394Gly (NM_001353573.2); c.1166A>G, p.Glu389Gly (NM_001353574.2); c.692A>G, p.Glu231Gly (NM_001353579.2); short protein forms E408G, E417G, E389G, E423G, E451G, E442G, E231G, E394G.
Identifiers: ClinVar variation 2848828 (VCV002848828.3), dbSNP rs547326608, ClinGen allele CA6905378.

ClinVar aggregate classification (germline): Uncertain significance (1 of 4 stars; one submission).

Submission:

Labcorp Genetics (formerly Invitae), Labcorp
Classification: Uncertain significance. Last evaluated: 2025-09-28. Review status: criteria provided, single submitter. Criteria: Invitae Variant Classification Sherloc (09022015). Collection method: clinical testing. Allele origin: germline.
Comment: This sequence change replaces glutamic acid, which is acidic and polar, with glycine, which is neutral and non-polar, at codon 451 of the IFT88 protein (p.Glu451Gly). This variant is present in population databases (rs547326608, gnomAD 0.01%). This variant has not been reported in the literature in individuals affected with IFT88-related conditions. ClinVar contains an entry for this variant (Variation ID: 2848828). Experimental studies and prediction algorithms are not available or were not evaluated, and the functional significance of this variant is currently unknown. In summary, the available evidence is currently insufficient to determine the role of this variant in disease. Therefore, it has been classified as a Variant of Uncertain Significance.